The following is an entry in ClinVar:

ClinVar aggregate classification (germline): Uncertain significance (1 of 4 stars; one submission).

Conditions:
Retinoblastoma (RB1). Also called: RETINOBLASTOMA, SOMATIC. Identifiers: Orphanet 790, MedGen C0035335, MeSH D012175, MONDO:0008380, OMIM 180200, HP:0009919. Disease mechanism: loss of function. Inheritance: Both sporadic and heritable forms are tested..

Submission:

Labcorp Genetics (formerly Invitae), Labcorp
Classification: Uncertain significance for Retinoblastoma. Last evaluated: 2020-11-16. Review status: criteria provided, single submitter. Criteria: Invitae Variant Classification Sherloc (09022015). Collection method: clinical testing. Allele origin: germline.
Comment: In summary, the available evidence is currently insufficient to determine the role of this variant in disease. Therefore, it has been classified as a Variant of Uncertain Significance. Algorithms developed to predict the effect of missense changes on protein structure and function are either unavailable or do not agree on the potential impact of this missense change (SIFT: "Not Available"; PolyPhen-2: "Benign"; Align-GVGD: "Not Available"). This variant has not been reported in the literature in individuals with RB1-related conditions. The frequency data for this variant in the population databases is not available, as this variant may be reported as separate entries in the ExAC database. This sequence change replaces glycine with glutamine at codon 865 of the RB1 protein (p.Gly865Gln). The glycine residue is moderately conserved and there is a moderate physicochemical difference between glycine and glutamine.

NM_000321.3(RB1):c.2593_2594delinsCA (p.Gly865Gln)

Gene: RB1 (RB transcriptional corepressor 1; plus strand). Cytogenetic location: 13q14.2.
Variant type: Indel.
Coding change: c.2593_2594delinsCA on transcript NM_000321.3 (MANE Select); coding-DNA positions 2593 to 2594, GG replaced by CA.
Protein change: p.Gly865Gln; replaces glycine 865 with glutamine.
Molecular consequence: missense variant.
Genome position (GRCh38, 1-based): chr13:48,476,773-48,476,774, GG replaced by CA. VCF-style: chr13-48476773-GG-CA. GRCh37 (hg19) VCF-style: chr13-49050909-GG-CA.
Other names: short protein forms G865Q.
Identifiers: ClinVar variation 1500702 (VCV001500702.6), dbSNP rs2138359294, ClinGen allele CA2573149625.